The following is an entry in ClinVar:

ClinVar aggregate classification (germline): Uncertain significance (1 of 4 stars; one submission).

Submission:

Labcorp Genetics (formerly Invitae), Labcorp
Classification: Uncertain significance. Last evaluated: 2024-01-15. Review status: criteria provided, single submitter. Criteria: Invitae Variant Classification Sherloc (09022015). Collection method: clinical testing. Allele origin: germline.
Comment: This sequence change replaces glycine, which is neutral and non-polar, with glutamic acid, which is acidic and polar, at codon 1165 of the COL11A2 protein (p.Gly1165Glu). This variant is not present in population databases (gnomAD no frequency). This variant has not been reported in the literature in individuals affected with COL11A2-related conditions. ClinVar contains an entry for this variant (Variation ID: 1467777). Advanced modeling of protein sequence and biophysical properties (such as structural, functional, and spatial information, amino acid conservation, physicochemical variation, residue mobility, and thermodynamic stability) performed at Invitae indicates that this missense variant is expected to disrupt COL11A2 protein function with a positive predictive value of 95%. In summary, the available evidence is currently insufficient to determine the role of this variant in disease. Therefore, it has been classified as a Variant of Uncertain Significance.

NM_080680.3(COL11A2):c.3494G>A (p.Gly1165Glu)

Gene: COL11A2 (collagen type XI alpha 2 chain; minus strand). Cytogenetic location: 6p21.32.
Variant type: single nucleotide variant.
Coding change: c.3494G>A on transcript NM_080680.3 (MANE Select); coding-DNA position 3494, G replaced by A.
Protein change: p.Gly1165Glu; replaces glycine 1165 with glutamic acid.
Molecular consequence: missense variant.
Genome position (GRCh38, 1-based): chr6:33,170,591, C>T on the plus strand (G>A on the coding strand, the complement: COL11A2 is on the minus strand). VCF-style: chr6-33170591-C-T. GRCh37 (hg19) VCF-style: chr6-33138368-C-T.
Other names: c.3173G>A, p.Gly1058Glu (NM_080679.3); c.3236G>A, p.Gly1079Glu (NM_080681.3); short protein forms G1058E, G1079E, G1165E.
Identifiers: ClinVar variation 1467777 (VCV001467777.8), dbSNP rs2150541078, ClinGen allele CA363630535.